The following is an entry in ClinVar:

ClinVar aggregate classification (germline): Uncertain significance (1 of 4 stars; one submission).

Conditions:
Inborn genetic diseases. Identifiers: MedGen C0950123, MeSH D030342.

gnomAD v4.1: 5 of 1,613,414 alleles (0.00031%); highest among the groups gnomAD compares: Non-Finnish European, 0.00042%; no homozygotes.

Submission:

Ambry Genetics
Classification: Uncertain significance for Inborn genetic diseases. Last evaluated: 2024-12-13. Review status: criteria provided, single submitter. Criteria: Ambry Variant Classification Scheme 2023. Collection method: clinical testing. Allele origin: germline.
Comment: The p.V1608A variant (also known as c.4823T>C), located in coding exon 20 of the FANCM gene, results from a T to C substitution at nucleotide position 4823. The valine at codon 1608 is replaced by alanine, an amino acid with similar properties. This amino acid position is conserved. In addition, the in silico prediction for this alteration is inconclusive. Based on the available evidence, the clinical significance of this variant remains unclear.

NM_020937.4(FANCM):c.4823T>C (p.Val1608Ala)

Gene: FANCM (FA complementation group M; plus strand). Cytogenetic location: 14q21.2.
Variant type: single nucleotide variant.
Coding change: c.4823T>C on transcript NM_020937.4 (MANE Select); coding-DNA position 4823, T replaced by C.
Protein change: p.Val1608Ala; replaces valine 1608 with alanine.
Molecular consequence: missense variant.
Genome position (GRCh38, 1-based): chr14:45,188,845, T>C. VCF-style: chr14-45188845-T-C. GRCh37 (hg19) VCF-style: chr14-45658048-T-C.
Other names: c.4745T>C, p.Val1582Ala (NM_001308133.2); short protein forms V1608A, V1582A.
Identifiers: ClinVar variation 3848491 (VCV003848491.1).